The following is an entry in ClinVar:

NM_001367624.2(ZNF469):c.10741G>C (p.Glu3581Gln)

Gene: ZNF469 (zinc finger protein 469; plus strand). Cytogenetic location: 16q24.2.
Variant type: single nucleotide variant.
Coding change: c.10741G>C on transcript NM_001367624.2 (MANE Select); coding-DNA position 10741, G replaced by C.
Protein change: p.Glu3581Gln; replaces glutamic acid 3581 with glutamine.
Molecular consequence: missense variant.
Genome position (GRCh38, 1-based): chr16:88,438,211, G>C. VCF-style: chr16-88438211-G-C. GRCh37 (hg19) VCF-style: chr16-88504619-G-C.
Other names: NM_001127464.1:c.10657G>C; short protein forms E3581Q.
Identifiers: ClinVar variation 3373393 (VCV003373393.1).

ClinVar aggregate classification (germline): Uncertain significance (1 of 4 stars; one submission).

gnomAD v4.1: 2 of 1,546,866 alleles (0.00013%); highest among the groups gnomAD compares: East Asian, 0.0024%; no homozygotes.

Submission:

GeneDx
Classification: Uncertain significance. Last evaluated: 2024-05-02. Review status: criteria provided, single submitter. Criteria: GeneDx Variant Classification Process June 2021. Collection method: clinical testing. Allele origin: germline. Affected: yes.
Comment: Not observed at significant frequency in large population cohorts (gnomAD); In silico analysis indicates that this missense variant does not alter protein structure/function; Has not been previously published as pathogenic or benign to our knowledge